The following is an entry in ClinVar:

ClinVar aggregate classification (germline): Conflicting classifications of pathogenicity. Review status: criteria provided, conflicting classifications (1 of 4 stars). 3 submissions from 3 submitters: Uncertain significance (2); Likely benign (1). Last evaluated 2024-05-01.

Conditions:
Hereditary cancer-predisposing syndrome. Also called: Neoplastic Syndromes, Hereditary; Hereditary Cancer Syndrome; Hereditary neoplastic syndrome; Tumor predisposition. Identifiers: Orphanet 140162, MedGen C0027672, MeSH D009386, MONDO:0015356.
Familial cancer of breast. Also called: hereditary breast carcinoma; BREAST CANCER, FAMILIAL; Hereditary breast cancer. Identifiers: Orphanet 227535, MedGen C0346153, MONDO:0016419, OMIM 114480. Disease mechanism: loss of function.
Ataxia-telangiectasia syndrome (AT). Also called: Ataxia-telangiectasia, complementation group E; Cerebello-oculocutaneous telangiectasia; Immunodeficiency with ataxia telangiectasia; Ataxia-telangiectasia, complementation group D; AT, COMPLEMENTATION GROUP C; Ataxia-telangiectasia. Identifiers: Orphanet 100, MedGen C0004135, MONDO:0008840, OMIM 208900.

Submissions (3):

Labcorp Genetics (formerly Invitae), Labcorp
Classification: Uncertain significance for Ataxia-telangiectasia syndrome. Last evaluated: 2024-05-01. Review status: criteria provided, single submitter. Criteria: Invitae Variant Classification Sherloc (09022015). Collection method: clinical testing. Allele origin: germline.
Comment: This sequence change replaces aspartic acid, which is acidic and polar, with glycine, which is neutral and non-polar, at codon 1705 of the ATM protein (p.Asp1705Gly). This variant is not present in population databases (gnomAD no frequency). This variant has not been reported in the literature in individuals affected with ATM-related conditions. ClinVar contains an entry for this variant (Variation ID: 852981). Algorithms developed to predict the effect of missense changes on protein structure and function output the following: SIFT: "Not Available"; PolyPhen-2: "Possibly Damaging"; Align-GVGD: "Not Available". The glycine amino acid residue is found in multiple mammalian species, which suggests that this missense change does not adversely affect protein function. In summary, the available evidence is currently insufficient to determine the role of this variant in disease. Therefore, it has been classified as a Variant of Uncertain Significance.

Baylor Genetics
Classification: Uncertain significance for Familial cancer of breast. Last evaluated: 2024-03-27. Review status: criteria provided, single submitter. Criteria: ACMG Guidelines, 2015. Collection method: clinical testing. Allele origin: unknown.

Ambry Genetics
Classification: Likely benign for Hereditary cancer-predisposing syndrome. Last evaluated: 2017-06-22. Review status: criteria provided, single submitter. Criteria: Ambry Variant Classification Scheme 2023. Collection method: clinical testing. Allele origin: germline.

NM_000051.4(ATM):c.5114A>G (p.Asp1705Gly)

Gene: ATM (ATM serine/threonine kinase; plus strand). Cytogenetic location: 11q22.3.
Variant type: single nucleotide variant.
Coding change: c.5114A>G on transcript NM_000051.4 (MANE Select); coding-DNA position 5114, A replaced by G.
Protein change: p.Asp1705Gly; replaces aspartic acid 1705 with glycine.
Molecular consequence: missense variant.
Genome position (GRCh38, 1-based): chr11:108,299,822, A>G. VCF-style: chr11-108299822-A-G. GRCh37 (hg19) VCF-style: chr11-108170549-A-G.
Other names: c.5114A>G, p.Asp1705Gly (NM_001351834.2); short protein forms D1705G.
Identifiers: ClinVar variation 852981 (VCV000852981.9), dbSNP rs2083331705, ClinGen allele CA382540813.